The following is an entry in ClinVar:

ClinVar aggregate classification (germline): Uncertain significance (1 of 4 stars; one submission).

Submission:

Labcorp Genetics (formerly Invitae), Labcorp
Classification: Uncertain significance. Last evaluated: 2023-07-07. Review status: criteria provided, single submitter. Criteria: Invitae Variant Classification Sherloc (09022015). Collection method: clinical testing. Allele origin: germline.
Comment: ClinVar contains an entry for this variant (Variation ID: 2113638). This sequence change replaces glutamic acid, which is acidic and polar, with glycine, which is neutral and non-polar, at codon 997 of the TOP2B protein (p.Glu997Gly). This variant is not present in population databases (gnomAD no frequency). This variant has not been reported in the literature in individuals affected with TOP2B-related conditions. An algorithm developed to predict the effect of missense changes on protein structure and function (PolyPhen-2) suggests that this variant is likely to be tolerated. In summary, the available evidence is currently insufficient to determine the role of this variant in disease. Therefore, it has been classified as a Variant of Uncertain Significance.

NM_001330700.2(TOP2B):c.3005A>G (p.Glu1002Gly)

Gene: TOP2B (DNA topoisomerase II beta; minus strand). Cytogenetic location: 3p24.2.
Variant type: single nucleotide variant.
Coding change: c.3005A>G on transcript NM_001330700.2 (MANE Select); coding-DNA position 3005, A replaced by G.
Protein change: p.Glu1002Gly; replaces glutamic acid 1002 with glycine.
Molecular consequence: missense variant.
Genome position (GRCh38, 1-based): chr3:25,619,920, T>C on the plus strand (A>G on the coding strand, the complement: TOP2B is on the minus strand). VCF-style: chr3-25619920-T-C. GRCh37 (hg19) VCF-style: chr3-25661411-T-C.
Other names: c.2990A>G, p.Glu997Gly (NM_001068.3); short protein forms E1002G, E997G.
Identifiers: ClinVar variation 2113638 (VCV002113638.4), dbSNP rs2470326440, ClinGen allele CA351898327.